The following is an entry in ClinVar:

ClinVar aggregate classification (germline): Likely benign. Review status: criteria provided, multiple submitters, no conflicts (2 of 4 stars). 7 submissions from 7 submitters: Likely benign (6). 1 of the submissions does not count toward it. Last evaluated 2025-10-15.

Conditions:
BRCA2-related disorder. Also called: BRCA2-related condition; BRCA2-related disorders. Identifiers: MedGen CN239275.
Hereditary cancer-predisposing syndrome. Also called: Hereditary neoplastic syndrome; Neoplastic Syndromes, Hereditary; Tumor predisposition; Hereditary Cancer Syndrome. Identifiers: Orphanet 140162, MedGen C0027672, MeSH D009386, MONDO:0015356.
Breast-ovarian cancer, familial, susceptibility to, 2 (BROVCA2). Also called: BRCA2 Hereditary Breast and Ovarian Cancer. Identifiers: Orphanet 145, MedGen C2675520, MONDO:0012933, OMIM 612555. Disease mechanism: loss of function.
Familial cancer of breast. Also called: BREAST CANCER, FAMILIAL; hereditary breast carcinoma; Hereditary breast cancer. Identifiers: Orphanet 227535, MedGen C0346153, MONDO:0016419, OMIM 114480. Disease mechanism: loss of function.
Hereditary breast ovarian cancer syndrome. Also called: Hereditary breast and/or ovarian cancer syndrome; BRCA1- and BRCA2-Associated Hereditary Breast and Ovarian Cancer; Hereditary breast and ovarian cancer; Breast and ovarian cancer; Hereditary breast and ovarian cancer syndrome; Hereditary breast and ovarian cancer syndrome (HBOC). Identifiers: Orphanet 145, MedGen C0677776, MeSH D061325, MONDO:0003582. Disease mechanism: loss of function.

Allele frequency attached by ClinVar (database versions not stated): TOPMed 0.00001.
gnomAD v4.1: 2 of 1,611,574 alleles (0.00012%); highest among the groups gnomAD compares: Non-Finnish European, 0.00017%; no homozygotes.

Submissions (7):

Labcorp Genetics (formerly Invitae), Labcorp
Classification: Likely benign for Hereditary breast ovarian cancer syndrome. Last evaluated: 2025-10-15. Review status: criteria provided, single submitter. Criteria: Invitae Variant Classification Sherloc (09022015). Collection method: clinical testing. Allele origin: germline.

Quest Diagnostics Nichols Institute San Juan Capistrano
Classification: Likely benign. Last evaluated: 2023-01-06. Review status: criteria provided, single submitter. Criteria: Quest Diagnostics criteria. Collection method: clinical testing. Allele origin: unknown.

ARUP Laboratories, Molecular Genetics and Genomics, ARUP Laboratories
Classification: Likely benign. Last evaluated: 2021-03-13. Review status: criteria provided, single submitter. Criteria: ARUP Molecular Germline Variant Investigation Process 2021. Collection method: clinical testing. Allele origin: germline.

Department of Pathology and Laboratory Medicine, Sinai Health System
Classification: Likely benign for Familial cancer of breast; Breast-ovarian cancer, familial, susceptibility to, 2. Last evaluated: 2020-12-30. Review status: criteria provided, single submitter. Criteria: ACMG Guidelines, 2015. Collection method: clinical testing. Allele origin: germline. Affected: yes.

Color Diagnostics, LLC DBA Color Health
Classification: Likely benign for Hereditary cancer-predisposing syndrome. Last evaluated: 2019-10-02. Review status: criteria provided, single submitter. Criteria: ACMG Guidelines, 2015. Collection method: clinical testing. Allele origin: germline.

Ambry Genetics
Classification: Likely benign for Hereditary cancer-predisposing syndrome. Last evaluated: 2016-03-22. Review status: criteria provided, single submitter. Criteria: Ambry Variant Classification Scheme 2023. Collection method: clinical testing. Allele origin: germline.

PreventionGenetics, part of Exact Sciences
Classification: Likely benign for BRCA2-related condition. Last evaluated: 2024-01-18. Review status: no assertion criteria provided. Collection method: clinical testing. Allele origin: germline. Not counted in ClinVar's aggregate classification.
Comment: This variant is classified as likely benign based on ACMG/AMP sequence variant interpretation guidelines (Richards et al. 2015 PMID: 25741868, with internal and published modifications).

NM_000059.4(BRCA2):c.1254A>G (p.Ser418=)

Gene: BRCA2 (BRCA2 DNA repair associated; plus strand). Cytogenetic location: 13q13.1.
Variant type: single nucleotide variant.
Coding change: c.1254A>G on transcript NM_000059.4 (MANE Select); coding-DNA position 1254, A replaced by G.
Protein change: p.Ser418=; no amino-acid change (serine 418 retained).
Molecular consequence: synonymous variant.
Genome position (GRCh38, 1-based): chr13:32,332,732, A>G. VCF-style: chr13-32332732-A-G. GRCh37 (hg19) VCF-style: chr13-32906869-A-G.
Identifiers: ClinVar variation 462227 (VCV000462227.27), dbSNP rs1052409595, ClinGen allele CA247496934.